The following is an entry in ClinVar:

ClinVar aggregate classification (germline): Uncertain significance (1 of 4 stars; one submission).

Conditions:
Congenital myasthenic syndrome 8. Also called: MYASTHENIC SYNDROME, CONGENITAL, DUE TO AGRIN DEFICIENCY; Myasthenic syndrome, congenital, 8, with pre- and postsynaptic defects. Identifiers: Orphanet 590, MedGen C3808739, MONDO:0014052, OMIM 615120.

Allele frequency attached by ClinVar (database versions not stated): TOPMed below 0.00001; gnomAD exomes 0.00001 and 0.00002; ExAC 0.00002.

Submission:

Labcorp Genetics (formerly Invitae), Labcorp
Classification: Uncertain significance for Congenital myasthenic syndrome 8. Last evaluated: 2023-05-23. Review status: criteria provided, single submitter. Criteria: Invitae Variant Classification Sherloc (09022015). Collection method: clinical testing. Allele origin: germline.
Comment: This sequence change replaces arginine, which is basic and polar, with histidine, which is basic and polar, at codon 408 of the AGRN protein (p.Arg408His). In summary, the available evidence is currently insufficient to determine the role of this variant in disease. Therefore, it has been classified as a Variant of Uncertain Significance. An algorithm developed to predict the effect of missense changes on protein structure and function (PolyPhen-2) suggests that this variant is likely to be disruptive. ClinVar contains an entry for this variant (Variation ID: 1387821). This variant has not been reported in the literature in individuals affected with AGRN-related conditions. This variant is present in population databases (rs764063704, gnomAD 0.007%).

NM_198576.4(AGRN):c.1223G>A (p.Arg408His)

Gene: AGRN (agrin; plus strand). Cytogenetic location: 1p36.33.
Variant type: single nucleotide variant.
Coding change: c.1223G>A on transcript NM_198576.4 (MANE Select); coding-DNA position 1223, G replaced by A.
Protein change: p.Arg408His; replaces arginine 408 with histidine.
Molecular consequence: missense variant.
Genome position (GRCh38, 1-based): chr1:1,042,001, G>A. VCF-style: chr1-1042001-G-A. GRCh37 (hg19) VCF-style: chr1-977381-G-A.
Other names: c.1223G>A, p.Arg408His (NM_001305275.2); c.908G>A, p.Arg303His (NM_001364727.2); short protein forms R303H, R408H.
Identifiers: ClinVar variation 1387821 (VCV001387821.4), dbSNP rs764063704, ClinGen allele CA508079.